The following is an entry in ClinVar:

NM_025103.4(IFT74):c.587+7A>G

Gene: IFT74 (intraflagellar transport 74; plus strand). Cytogenetic location: 9p21.2.
Variant type: single nucleotide variant.
Coding change: c.587+7A>G on transcript NM_025103.4 (MANE Select); 7 bases into the intron after coding-DNA position 587, A replaced by G.
Molecular consequence: intron variant.
Genome position (GRCh38, 1-based): chr9:26,990,202, A>G. VCF-style: chr9-26990202-A-G. GRCh37 (hg19) VCF-style: chr9-26990200-A-G.
Other names: c.587+7A>G (NM_001099223.3, NM_001099222.3, NM_001349928.2 and 1 more transcripts).
Identifiers: ClinVar variation 5002015 (VCV005002015.1).

ClinVar aggregate classification (germline): Likely benign (1 of 4 stars; one submission).

Conditions:
IFT74-related disorder. Also called: IFT74-Related Disorders; IFT74-related condition.

gnomAD v4.1: 5 of 1,365,988 alleles (0.00037%); highest among the groups gnomAD compares: South Asian, 0.0019%; no homozygotes.

Submission:

PreventionGenetics, part of Exact Sciences
Classification: Likely benign for IFT74-related condition. Last evaluated: 2025-03-19. Review status: criteria provided, single submitter. Criteria: ACMG Guidelines, 2015. Collection method: clinical testing. Allele origin: germline.
Comment: This variant is classified as likely benign based on ACMG/AMP sequence variant interpretation guidelines (Richards et al. 2015 PMID: 25741868, with internal and published modifications).